The following is an entry in ClinVar:

NM_001165963.4(SCN1A):c.2374del (p.Pro791_Met792insTer)

Gene: SCN1A (sodium voltage-gated channel alpha subunit 1; minus strand). Cytogenetic location: 2q24.3.
Variant type: Deletion.
Coding change: c.2374del on transcript NM_001165963.4 (MANE Select); coding-DNA position 2374, one base deleted (A; older notation c.2374delA).
Protein change: p.Pro791_Met792insTer.
Molecular consequence: nonsense. On other transcripts: 5 prime UTR variant (1), non-coding transcript variant (1).
Genome position (GRCh38, 1-based): chr2:166,041,272, T deleted on the plus strand (A on the coding strand, the reverse complement: SCN1A is on the minus strand); the first of 2 consecutive T bases (chr2:166,041,272-166,041,273); deleting either gives the same sequence. VCF-style (leftmost placement, unchanged base first): chr2-166041271-AT-A. GRCh37 (hg19) VCF-style: chr2-166897781-AT-A.
Other names: c.2290del, p.Pro763_Met764insTer (NM_001165964.3, NM_001353957.2, NM_001353958.2); c.2374del, p.Pro791_Met792insTer (NM_001202435.3, NM_001353948.2); c.2341del, p.Pro780_Met781insTer (NM_001353949.2, NM_001353950.2, NM_001353951.2 and 2 more transcripts); c.2338del, p.Pro779_Met780insTer (NM_001353954.2, NM_001353955.2); c.2287del, p.Pro762_Met763insTer (NM_001353960.2); c.-85del (NM_001353961.2).
Identifiers: ClinVar variation 2011186 (VCV002011186.4), dbSNP rs2468130177, ClinGen allele CA2580064548.

ClinVar aggregate classification (germline): Pathogenic (1 of 4 stars; one submission).

Conditions:
Early-infantile DEE. Also called: Early infantile epileptic encephalopathy; Ohtahara syndrome; Early infantile epileptic encephalopathy with suppression bursts. Identifiers: Orphanet 1934, MedGen C0393706, MONDO:0800491.

Submission:

Labcorp Genetics (formerly Invitae), Labcorp
Classification: Pathogenic for Early-infantile DEE. Last evaluated: 2022-06-26. Review status: criteria provided, single submitter. Criteria: Invitae Variant Classification Sherloc (09022015). Collection method: clinical testing. Allele origin: germline.
Comment: For these reasons, this variant has been classified as Pathogenic. This variant has not been reported in the literature in individuals affected with SCN1A-related conditions. This variant is not present in population databases (gnomAD no frequency). This sequence change creates a premature translational stop signal (p.Met792*) in the SCN1A gene. It is expected to result in an absent or disrupted protein product. Loss-of-function variants in SCN1A are known to be pathogenic (PMID: 17347258, 18930999).

Literature cited by the submitters: PubMed 17347258; PubMed 18930999.